The following is an entry in ClinVar:

NM_001035.3(RYR2):c.4218C>T (p.Thr1406=)

Gene: RYR2 (ryanodine receptor 2; plus strand). Cytogenetic location: 1q43.
Variant type: single nucleotide variant.
Coding change: c.4218C>T on transcript NM_001035.3 (MANE Select); coding-DNA position 4218, C replaced by T.
Protein change: p.Thr1406=; no amino-acid change (threonine 1406 retained).
Molecular consequence: synonymous variant.
Genome position (GRCh38, 1-based): chr1:237,591,796, C>T. VCF-style: chr1-237591796-C-T. GRCh37 (hg19) VCF-style: chr1-237755096-C-T.
Other names: c.4218C>T (NM_001035.2).
Identifiers: ClinVar variation 1084473 (VCV001084473.13), dbSNP rs368817788, ClinGen allele CA086566.
Genomic context (GRCh38, chr1:237,591,796, plus strand): 5'-CAGATTTTTGCTTAGAAGAACAAAGCCAGATTACAGCACAAGCCATTCTGCAAGACTCAC[C>T]GAAGATGTCCTTGCTGATGATCGGGATGACTATGATTTCTTGATGCAAACGTCCACGGTA-3'
Protein context (NP_001026.2, residues 1396-1416): DYSTSHSARL[Thr1406=]EDVLADDRDD

ClinVar aggregate classification (germline): Likely benign. Review status: criteria provided, multiple submitters, no conflicts (2 of 4 stars). 3 submissions from 3 submitters: Likely benign (3). Last evaluated 2024-12-08.

Conditions:
Catecholaminergic polymorphic ventricular tachycardia 1. Also called: VENTRICULAR TACHYCARDIA, CATECHOLAMINERGIC POLYMORPHIC, 1, WITH OR WITHOUT ATRIAL DYSFUNCTION AND/OR DILATED CARDIOMYOPATHY; VENTRICULAR TACHYCARDIA, STRESS-INDUCED POLYMORPHIC 1; RYR2-Related Catecholaminergic Polymorphic Ventricular Tachycardia. Identifiers: Orphanet 3286, MedGen C1631597, MONDO:0011484, OMIM 604772.
Cardiovascular phenotype. Identifiers: MedGen CN230736.
Catecholaminergic polymorphic ventricular tachycardia (CVPT). Also called: Catecholamine-induced polymorphic ventricular tachycardia. Identifiers: Orphanet 3286, MedGen C5574922, MONDO:0017990.

Allele frequency attached by ClinVar (database versions not stated): gnomAD exomes 0.00001.
gnomAD v4.1: 22 of 1,613,584 alleles (0.0014%); highest among the groups gnomAD compares: South Asian, 0.0088%; no homozygotes.

Submissions (3):

Labcorp Genetics (formerly Invitae), Labcorp
Classification: Likely benign for Catecholaminergic polymorphic ventricular tachycardia 1. Last evaluated: 2024-12-08. Review status: criteria provided, single submitter. Criteria: Invitae Variant Classification Sherloc (09022015). Collection method: clinical testing. Allele origin: germline.

All of Us Research Program, National Institutes of Health
Classification: Likely benign for Catecholaminergic polymorphic ventricular tachycardia. Last evaluated: 2024-08-06. Review status: criteria provided, single submitter. Criteria: ACMG Guidelines, 2015. Collection method: clinical testing. Allele origin: germline. Inheritance: Autosomal dominant inheritance. Observed: 2 variant alleles, 2 heterozygotes.
Comment: This study involves interpretation of variants in research participants for the purpose of population health screening. Participant phenotype was not available at the time of variant classification. Additional details can be found in publication PMID: 35346344, PMCID: PMC8962531

Ambry Genetics
Classification: Likely benign for Cardiovascular phenotype. Last evaluated: 2023-04-05. Review status: criteria provided, single submitter. Criteria: Ambry Variant Classification Scheme 2023. Collection method: clinical testing. Allele origin: germline.